The following is an entry in ClinVar:

ClinVar aggregate classification (germline): Uncertain significance (1 of 4 stars; one submission).

Conditions:
EGFR-related lung cancer (EGFR). Identifiers: MedGen CN130014.

Submission:

Labcorp Genetics (formerly Invitae), Labcorp
Classification: Uncertain significance for EGFR-related lung cancer. Last evaluated: 2021-06-19. Review status: criteria provided, single submitter. Criteria: Invitae Variant Classification Sherloc (09022015). Collection method: clinical testing. Allele origin: germline.
Comment: This variant is not present in population databases (ExAC no frequency). In summary, the available evidence is currently insufficient to determine the role of this variant in disease. Therefore, it has been classified as a Variant of Uncertain Significance. Algorithms developed to predict the effect of missense changes on protein structure and function are either unavailable or do not agree on the potential impact of this missense change (SIFT: "Deleterious"; PolyPhen-2: "Benign"; Align-GVGD: "Class C0"). This variant has not been reported in the literature in individuals with EGFR-related conditions. This sequence change replaces serine with threonine at codon 1064 of the EGFR protein (p.Ser1064Thr). The serine residue is moderately conserved and there is a small physicochemical difference between serine and threonine.

NM_005228.5(EGFR):c.3191G>C (p.Ser1064Thr)

Gene: EGFR (epidermal growth factor receptor; plus strand). Cytogenetic location: 7p11.2.
Variant type: single nucleotide variant.
Coding change: c.3191G>C on transcript NM_005228.5 (MANE Select); coding-DNA position 3191, G replaced by C.
Protein change: p.Ser1064Thr; replaces serine 1064 with threonine.
Molecular consequence: missense variant.
Genome position (GRCh38, 1-based): chr7:55,202,545, G>C. VCF-style: chr7-55202545-G-C. GRCh37 (hg19) VCF-style: chr7-55270238-G-C.
Other names: c.3056G>C, p.Ser1019Thr (NM_001346897.2, NM_001346899.2); c.3191G>C, p.Ser1064Thr (NM_001346898.2); c.3032G>C, p.Ser1011Thr (NM_001346900.2); c.2390G>C, p.Ser797Thr (NM_001346941.2); short protein forms S1011T, S1064T, S1019T, S797T.
Identifiers: ClinVar variation 1362507 (VCV001362507.8), dbSNP rs1339648899, ClinGen allele CA367583301.